The following is an entry in ClinVar:

NM_004444.5(EPHB4):c.268C>G (p.Leu90Val)

Gene: EPHB4 (EPH receptor B4; minus strand). Cytogenetic location: 7q22.1.
Variant type: single nucleotide variant.
Coding change: c.268C>G on transcript NM_004444.5 (MANE Select); coding-DNA position 268, C replaced by G.
Protein change: p.Leu90Val; replaces leucine 90 with valine.
Molecular consequence: missense variant.
Genome position (GRCh38, 1-based): chr7:100,823,787, G>C on the plus strand (C>G on the coding strand, the complement: EPHB4 is on the minus strand). VCF-style: chr7-100823787-G-C. GRCh37 (hg19) VCF-style: chr7-100421409-G-C.
Other names: short protein forms L90V.
Identifiers: ClinVar variation 4249967 (VCV004249967.1).
Genomic context (GRCh38, chr7:100,823,787, plus strand): 5'-TCTCCTTGCAGGAGCGCCCAGCCCGAGGCAGGGACAGGCACTCGAGCATGGTGAAGCGCA[G>C]CGTGGCGTACACGTGGACGGCGCCCCGCCGTGGGACCCAACCTGTGCGAAGCCAGTGGGC-3'
Protein context (NP_004435.3, residues 80-100): RRGAVHVYAT[Leu90Val]RFTMLECLSL

ClinVar aggregate classification (germline): Uncertain significance (1 of 4 stars; one submission).

Conditions:
Cardiovascular phenotype. Identifiers: MedGen CN230736.

Submission:

Ambry Genetics
Classification: Uncertain significance for Cardiovascular phenotype. Last evaluated: 2025-08-03. Review status: criteria provided, single submitter. Criteria: Ambry Variant Classification Scheme 2023. Collection method: clinical testing. Allele origin: germline.
Comment: The p.L90V variant (also known as c.268C>G), located in coding exon 3 of the EPHB4 gene, results from a C to G substitution at nucleotide position 268. The leucine at codon 90 is replaced by valine, an amino acid with highly similar properties. This amino acid position is conserved. In addition, this alteration is predicted to be tolerated by in silico analysis. Based on the available evidence, the clinical significance of this variant remains unclear.